The following is an entry in ClinVar:

NM_144631.6(ZNF513):c.302T>C (p.Val101Ala)

Gene: ZNF513 (zinc finger protein 513; minus strand). Cytogenetic location: 2p23.3.
Variant type: single nucleotide variant.
Coding change: c.302T>C on transcript NM_144631.6 (MANE Select); coding-DNA position 302, T replaced by C.
Protein change: p.Val101Ala; replaces valine 101 with alanine.
Molecular consequence: missense variant.
Genome position (GRCh38, 1-based): chr2:27,378,964, A>G on the plus strand (T>C on the coding strand, the complement: ZNF513 is on the minus strand). VCF-style: chr2-27378964-A-G. GRCh37 (hg19) VCF-style: chr2-27601831-A-G.
Other names: c.116T>C, p.Val39Ala (NM_001201459.2); c.302T>C (NM_144631.5); short protein forms V101A, V39A.
Identifiers: ClinVar variation 1475681 (VCV001475681.9), dbSNP rs757252598, ClinGen allele CA1578078.

ClinVar aggregate classification (germline): Uncertain significance. Review status: criteria provided, multiple submitters, no conflicts (2 of 4 stars). 2 submissions from 2 submitters: Uncertain significance (2). Last evaluated 2025-05-04.

Allele frequency attached by ClinVar (database versions not stated): gnomAD exomes below 0.00001; ExAC 0.00001.

Submissions (2):

Ambry Genetics
Classification: Uncertain significance. Last evaluated: 2025-05-04. Review status: criteria provided, single submitter. Criteria: Ambry Variant Classification Scheme 2023. Collection method: clinical testing. Allele origin: germline.

Labcorp Genetics (formerly Invitae), Labcorp
Classification: Uncertain significance. Last evaluated: 2021-07-16. Review status: criteria provided, single submitter. Criteria: Invitae Variant Classification Sherloc (09022015). Collection method: clinical testing. Allele origin: germline.
Comment: This variant is present in population databases (rs757252598, ExAC 0.009%). This variant has not been reported in the literature in individuals affected with ZNF513-related conditions. Algorithms developed to predict the effect of missense changes on protein structure and function output the following: SIFT: "Deleterious"; PolyPhen-2: "Benign"; Align-GVGD: "Class C55". The alanine amino acid residue is found in multiple mammalian species, which suggests that this missense change does not adversely affect protein function. In summary, the available evidence is currently insufficient to determine the role of this variant in disease. Therefore, it has been classified as a Variant of Uncertain Significance. This sequence change replaces valine with alanine at codon 101 of the ZNF513 protein (p.Val101Ala). The valine residue is highly conserved and there is a small physicochemical difference between valine and alanine.